The following is an entry in ClinVar:

ClinVar aggregate classification (germline): Conflicting classifications of pathogenicity. Review status: criteria provided, conflicting classifications (1 of 4 stars). 2 submissions from 2 submitters: Uncertain significance (1); Likely benign (1). Last evaluated 2025-09-09.

Conditions:
Pulmonary fibrosis and/or bone marrow failure, Telomere-related, 3. Also called: PULMONARY FIBROSIS AND/OR BONE MARROW FAILURE SYNDROME, TELOMERE-RELATED, 3. Identifiers: Orphanet 2032, MedGen C4225346, MONDO:0014613, OMIM 616373.
Dyskeratosis congenita, autosomal recessive 5 (DKCB5). Identifiers: MedGen C3554656, MONDO:0014076, OMIM 615190.
Inborn genetic diseases. Identifiers: MedGen C0950123, MeSH D030342.

Allele frequency attached by ClinVar (database versions not stated): ESP Exome Variant Server 0.00008.
gnomAD v4.1: 59 of 1,611,780 alleles (0.0037%); highest among the groups gnomAD compares: Admixed American, 0.012%; no homozygotes.

Submissions (2):

Labcorp Genetics (formerly Invitae), Labcorp
Classification: Uncertain significance for Dyskeratosis congenita, autosomal recessive 5; Pulmonary fibrosis and/or bone marrow failure, Telomere-related, 3. Last evaluated: 2025-09-09. Review status: criteria provided, single submitter. Criteria: Invitae Variant Classification Sherloc (09022015). Collection method: clinical testing. Allele origin: germline.
Comment: This sequence change replaces arginine, which is basic and polar, with glutamine, which is neutral and polar, at codon 989 of the RTEL1 protein (p.Arg989Gln). This variant is present in population databases (rs200683292, gnomAD 0.02%). This variant has not been reported in the literature in individuals affected with RTEL1-related conditions. ClinVar contains an entry for this variant (Variation ID: 2082843). An algorithm developed to predict the effect of missense changes on protein structure and function outputs the following: PolyPhen-2: "Benign". The glutamine amino acid residue is found in multiple mammalian species, which suggests that this missense change does not adversely affect protein function. In summary, the available evidence is currently insufficient to determine the role of this variant in disease. Therefore, it has been classified as a Variant of Uncertain Significance.

Ambry Genetics
Classification: Likely benign for Inborn genetic diseases. Last evaluated: 2023-01-25. Review status: criteria provided, single submitter. Criteria: Ambry Variant Classification Scheme 2023. Collection method: clinical testing. Allele origin: germline.

NM_001283009.2(RTEL1):c.2966G>A (p.Arg989Gln)

Genes: RTEL1 (regulator of telomere elongation helicase 1; plus strand), RTEL1-TNFRSF6B (RTEL1-TNFRSF6B readthrough (NMD candidate); plus strand). Cytogenetic location: 20q13.33.
Variant type: single nucleotide variant.
Coding change: c.2966G>A on transcript NM_001283009.2 (MANE Select); coding-DNA position 2966, G replaced by A.
Protein change: p.Arg989Gln; replaces arginine 989 with glutamine.
Molecular consequence: missense variant. On other transcripts: non-coding transcript variant (1).
Genome position (GRCh38, 1-based): chr20:63,693,257, G>A. VCF-style: chr20-63693257-G-A. GRCh37 (hg19) VCF-style: chr20-62324610-G-A.
Other names: c.2297G>A, p.Arg766Gln (NM_001283010.1); c.2966G>A, p.Arg989Gln (NM_016434.4); c.3038G>A, p.Arg1013Gln (NM_032957.5); c.3038G>A (NM_032957.4); short protein forms R766Q, R1013Q, R989Q.
Identifiers: ClinVar variation 2082843 (VCV002082843.6), dbSNP rs200683292, ClinGen allele CA9965677.